The following is an entry in ClinVar:

NM_207361.6(FREM2):c.2303C>G (p.Ser768Ter)

Gene: FREM2 (FRAS1 related extracellular matrix 2; plus strand). Cytogenetic location: 13q13.3.
Variant type: single nucleotide variant.
Coding change: c.2303C>G on transcript NM_207361.6 (MANE Select); coding-DNA position 2303, C replaced by G.
Protein change: p.Ser768Ter; replaces serine 768 with a stop codon.
Molecular consequence: nonsense.
Genome position (GRCh38, 1-based): chr13:38,689,647, C>G. VCF-style: chr13-38689647-C-G. GRCh37 (hg19) VCF-style: chr13-39263784-C-G.
Other names: short protein forms S768*.
Identifiers: ClinVar variation 1252033 (VCV001252033.3), dbSNP rs2138066721, ClinGen allele CA387888536.

ClinVar aggregate classification (germline): Likely pathogenic. Review status: criteria provided, single submitter (1 of 4 stars). 2 submissions from 1 submitter: Likely pathogenic (1). 1 of the submissions does not count toward it. Last evaluated 2024-03-17.

Conditions:
Fraser syndrome 2 (FRASRS2). Identifiers: MedGen C4540036, MONDO:0054738, OMIM 617666.

Submissions (2):

Genomic Medicine Center of Excellence, King Faisal Specialist Hospital and Research Centre
Classification: Likely pathogenic for Fraser syndrome 2. Last evaluated: 2024-03-17. Review status: criteria provided, single submitter. Criteria: ACMG Guidelines, 2015. Collection method: research. Allele origin: germline.

Genomic Medicine Center of Excellence, King Faisal Specialist Hospital and Research Centre
Classification: Pathogenic for Fraser syndrome 2. Last evaluated: 2021-04-29. Review status: flagged submission. Collection method: research. Allele origin: germline. Affected: no. Not counted in ClinVar's aggregate classification.
ClinVar note: Reason: This record appears to be redundant with a more recent record from the same submitter.
ClinVar note: Notes: SCV001870472 appears to be redundant with SCV004805140.